The following is an entry in ClinVar:

NM_007078.2(LDB3):c.-373A>T

Gene: LDB3 (LIM domain binding 3; plus strand). Cytogenetic location: 10q23.2.
Variant type: single nucleotide variant.
Coding change: c.-373A>T on transcript NM_007078.2; 373 bases upstream of the start codon, A replaced by T.
Molecular consequence: intron variant (on NM_001368064.1).
Genome position (GRCh38, 1-based): chr10:86,668,319, A>T. VCF-style: chr10-86668319-A-T. GRCh37 (hg19) VCF-style: chr10-88428076-A-T.
Other names: c.-23-350A>T (NM_001368064.1, NM_001368063.1, NM_001368068.1).
Identifiers: ClinVar variation 683005 (VCV000683005.3), dbSNP rs2675692, ClinGen allele CA13343071.

ClinVar aggregate classification (germline): Benign (1 of 4 stars; one submission).

Allele frequency attached by ClinVar (database versions not stated): gnomAD 0.77698; TOPMed 0.78287; 1000 Genomes Project 30x 0.83198; gnomAD exomes 0.73526; 1000 Genomes Project 0.82808.
gnomAD v4.1: 264,402 of 350,822 alleles (75%); highest among the groups gnomAD compares: African/African-American, 91%; 100,880 homozygotes.

Submission:

GeneDx
Classification: Benign. Last evaluated: 2018-06-14. Review status: criteria provided, single submitter. Criteria: GeneDx Variant Classification (06012015). Collection method: clinical testing. Allele origin: germline. Affected: yes.
Comment: This variant is considered likely benign or benign based on one or more of the following criteria: it is a conservative change, it occurs at a poorly conserved position in the protein, it is predicted to be benign by multiple in silico algorithms, and/or has population frequency not consistent with disease.